The following is an entry in ClinVar:

ClinVar aggregate classification (germline): Conflicting classifications of pathogenicity. Review status: criteria provided, conflicting classifications (1 of 4 stars). 3 submissions from 3 submitters: Likely pathogenic (1); Uncertain significance (2). Last evaluated 2025-08-15.

Conditions:
Hereditary cancer-predisposing syndrome. Also called: Neoplastic Syndromes, Hereditary; Hereditary Cancer Syndrome; Hereditary neoplastic syndrome; Tumor predisposition. Identifiers: Orphanet 140162, MedGen C0027672, MeSH D009386, MONDO:0015356.
Familial adenomatous polyposis 2. Also called: COLORECTAL ADENOMATOUS POLYPOSIS, AUTOSOMAL RECESSIVE; ADENOMAS, MULTIPLE COLORECTAL, AUTOSOMAL RECESSIVE; Adenomas, multiple colorectal; FAP type 2; MUTYH Polyposis; MUTYH-associated polyposis. Identifiers: Orphanet 220460, Orphanet 247798, MedGen C3272841, MONDO:0012041, OMIM 608456.

Allele frequency attached by ClinVar (database versions not stated): gnomAD exomes below 0.00001.
gnomAD v4.1: 3 of 1,614,076 alleles (0.00019%); highest among the groups gnomAD compares: Non-Finnish European, 0.00017%; no homozygotes.

Submissions (3):

Ambry Genetics
Classification: Likely pathogenic for Hereditary cancer-predisposing syndrome. Last evaluated: 2025-08-15. Review status: criteria provided, single submitter. Criteria: Ambry Variant Classification Scheme 2023. Collection method: clinical testing. Allele origin: germline.
Comment: The p.V270E variant (also known as c.809T>A), located in coding exon 10 of the MUTYH gene, results from a T to A substitution at nucleotide position 809. The valine at codon 270 is replaced by glutamic acid, an amino acid with dissimilar properties. In a massively parallel cell-based functional assay testing 7,8-dihydro-8- oxoguanine:adenine (8OG:A) repair activity, a byproduct of oxidative damage, this variant was reported to be non-functional (Hemker SL et al. Am J Hum Genet. Published online July 29, 2025. DOI: 10.1016/j.ajhg.2025.07.005). This amino acid position is well conserved in available vertebrate species. In addition, this alteration is predicted to be deleterious by in silico analysis. This variant is considered to be rare based on population cohorts in the Genome Aggregation Database (gnomAD). Based on the majority of available evidence to date, this variant is likely to be pathogenic.

All of Us Research Program, National Institutes of Health
Classification: Uncertain significance for Familial adenomatous polyposis 2. Last evaluated: 2023-06-28. Review status: criteria provided, single submitter. Criteria: ACMG Guidelines, 2015. Collection method: clinical testing. Allele origin: germline. Inheritance: Autosomal recessive inheritance. Observed: 1 variant allele, 1 heterozygote.
Comment: This study involves interpretation of variants in research participants for the purpose of population health screening. Participant phenotype was not available at the time of variant classification. Additional details can be found in publication PMID: 35346344, PMCID: PMC8962531

Labcorp Genetics (formerly Invitae), Labcorp
Classification: Uncertain significance for Familial adenomatous polyposis 2. Last evaluated: 2021-03-01. Review status: criteria provided, single submitter. Criteria: Invitae Variant Classification Sherloc (09022015). Collection method: clinical testing. Allele origin: germline.
Comment: This sequence change replaces valine with glutamic acid at codon 270 of the MUTYH protein (p.Val270Glu). The valine residue is highly conserved and there is a moderate physicochemical difference between valine and glutamic acid. This variant is not present in population databases (ExAC no frequency). This variant has not been reported in the literature in individuals with MUTYH-related conditions. Algorithms developed to predict the effect of missense changes on protein structure and function (SIFT, PolyPhen-2, Align-GVGD) all suggest that this variant is likely to be disruptive, but these predictions have not been confirmed by published functional studies and their clinical significance is uncertain. In summary, the available evidence is currently insufficient to determine the role of this variant in disease. Therefore, it has been classified as a Variant of Uncertain Significance.

Literature cited by the submitters: PubMed 40738107 (cited by Ambry Genetics).

NM_001048174.2(MUTYH):c.725T>A (p.Val242Glu)

Gene: MUTYH (mutY DNA glycosylase; minus strand). Cytogenetic location: 1p34.1.
Variant type: single nucleotide variant.
Coding change: c.725T>A on transcript NM_001048174.2 (MANE Select); coding-DNA position 725, T replaced by A.
Protein change: p.Val242Glu; replaces valine 242 with glutamic acid.
Molecular consequence: missense variant. On other transcripts: non-coding transcript variant (2).
Genome position (GRCh38, 1-based): chr1:45,332,290, A>T on the plus strand (T>A on the coding strand, the complement: MUTYH is on the minus strand). VCF-style: chr1-45332290-A-T. GRCh37 (hg19) VCF-style: chr1-45797962-A-T.
Other names: c.809T>A (NM_001128425.1); c.725T>A, p.Val242Glu (NM_001048171.2, NM_001048173.2, NM_001293195.2); c.728T>A, p.Val243Glu (NM_001048172.2); c.809T>A, p.Val270Glu (NM_001128425.2); c.770T>A, p.Val257Glu (NM_001293190.2); c.758T>A, p.Val253Glu (NM_001293191.2); c.449T>A, p.Val150Glu (NM_001293192.2, NM_001293196.2); c.380T>A, p.Val127Glu (NM_001350650.2, NM_001350651.2); and 1 more; short protein forms V127E, V150E, V242E, V243E, V253E, V257E, V267E, V270E.
Identifiers: ClinVar variation 1015979 (VCV001015979.11), dbSNP rs1331273811, ClinGen allele CA340134689.